The following is an entry in ClinVar:

ClinVar aggregate classification (germline): Uncertain significance. Review status: criteria provided, multiple submitters, no conflicts (2 of 4 stars). 2 submissions from 2 submitters: Uncertain significance (2). Last evaluated 2025-03-02.

Conditions:
Hereditary cancer-predisposing syndrome. Also called: Tumor predisposition; Hereditary neoplastic syndrome; Hereditary Cancer Syndrome; Neoplastic Syndromes, Hereditary. Identifiers: Orphanet 140162, MedGen C0027672, MeSH D009386, MONDO:0015356.
Bloom syndrome (BLM). Also called: Bloom-Torre-Machacek syndrome. Identifiers: Orphanet 125, MedGen C0005859, MONDO:0008876, OMIM 210900.

Submissions (2):

Labcorp Genetics (formerly Invitae), Labcorp
Classification: Uncertain significance for Bloom syndrome. Last evaluated: 2025-03-02. Review status: criteria provided, single submitter. Criteria: Invitae Variant Classification Sherloc (09022015). Collection method: clinical testing. Allele origin: germline.
Comment: This sequence change replaces histidine, which is basic and polar, with glutamine, which is neutral and polar, at codon 1058 of the BLM protein (p.His1058Gln). This variant is not present in population databases (gnomAD no frequency). This variant has not been reported in the literature in individuals affected with BLM-related conditions. ClinVar contains an entry for this variant (Variation ID: 3224399). Invitae Evidence Modeling of protein sequence and biophysical properties (such as structural, functional, and spatial information, amino acid conservation, physicochemical variation, residue mobility, and thermodynamic stability) has been performed for this missense variant. However, the output from this modeling did not meet the statistical confidence thresholds required to predict the impact of this variant on BLM protein function. In summary, the available evidence is currently insufficient to determine the role of this variant in disease. Therefore, it has been classified as a Variant of Uncertain Significance.

Ambry Genetics
Classification: Uncertain significance for Hereditary cancer-predisposing syndrome. Last evaluated: 2024-03-02. Review status: criteria provided, single submitter. Criteria: Ambry Variant Classification Scheme 2023. Collection method: clinical testing. Allele origin: germline.
Comment: The p.H1058Q variant (also known as c.3174C>G), located in coding exon 15 of the BLM gene, results from a C to G substitution at nucleotide position 3174. The histidine at codon 1058 is replaced by glutamine, an amino acid with highly similar properties. This amino acid position is conserved. In addition, this alteration is predicted to be tolerated by in silico analysis. Based on the available evidence, the clinical significance of this alteration remains unclear.

NM_000057.4(BLM):c.3174C>G (p.His1058Gln)

Gene: BLM (BLM RecQ like helicase; plus strand). Cytogenetic location: 15q26.1.
Variant type: single nucleotide variant.
Coding change: c.3174C>G on transcript NM_000057.4 (MANE Select); coding-DNA position 3174, C replaced by G.
Protein change: p.His1058Gln; replaces histidine 1058 with glutamine.
Molecular consequence: missense variant.
Genome position (GRCh38, 1-based): chr15:90,794,321, C>G. VCF-style: chr15-90794321-C-G. GRCh37 (hg19) VCF-style: chr15-91337551-C-G.
Other names: c.3174C>G, p.His1058Gln (NM_001287246.2, NM_001287247.2); c.2049C>G, p.His683Gln (NM_001287248.2); short protein forms H1058Q, H683Q.
Identifiers: ClinVar variation 3224399 (VCV003224399.2), dbSNP rs1896978814, ClinGen allele CA393847002.
Genomic context (GRCh38, chr15:90,794,321, plus strand): 5'-AATACAGCTTTTGGCCTACTTTGGTGAAAATGGATTTAATCCTGATTTTTGTAAGAAACA[C>G]CCAGATGTTTCTTGTGATAATTGCTGTAAAACAAAGGTAAAAAAAGAAGTTTTAAAATTC-3'
Protein context (NP_000048.1, residues 1048-1068): NGFNPDFCKK[His1058Gln]PDVSCDNCCK